The following is an entry in ClinVar:

NM_001103.4(ACTN2):c.1522G>A (p.Glu508Lys)

Gene: ACTN2 (actinin alpha 2; plus strand). Cytogenetic location: 1q43.
Variant type: single nucleotide variant.
Coding change: c.1522G>A on transcript NM_001103.4 (MANE Select); coding-DNA position 1522, G replaced by A.
Protein change: p.Glu508Lys; replaces glutamic acid 508 with lysine.
Molecular consequence: missense variant. On other transcripts: non-coding transcript variant (1).
Genome position (GRCh38, 1-based): chr1:236,749,130, G>A. VCF-style: chr1-236749130-G-A. GRCh37 (hg19) VCF-style: chr1-236912430-G-A.
Other names: c.1522G>A, p.Glu508Lys (NM_001278343.2); c.898G>A, p.Glu300Lys (NM_001278344.2); c.772G>A, p.Glu258Lys (NM_001412150.1); short protein forms E258K, E300K, E508K.
Identifiers: ClinVar variation 2663223 (VCV002663223.1), dbSNP rs773143171, ClinGen allele CA1473188.

ClinVar aggregate classification (germline): Uncertain significance (1 of 4 stars; one submission).

Allele frequency attached by ClinVar (database versions not stated): ExAC 0.00001.

Submission:

GeneDx
Classification: Uncertain significance. Last evaluated: 2023-05-10. Review status: criteria provided, single submitter. Criteria: GeneDx Variant Classification Process June 2021. Collection method: clinical testing. Allele origin: germline. Affected: yes.
Comment: Not observed at significant frequency in large population cohorts (gnomAD); In silico analysis supports that this missense variant has a deleterious effect on protein structure/function; Has not been previously published as pathogenic or benign to our knowledge